The following is an entry in ClinVar:

ClinVar aggregate classification (germline): Likely pathogenic (1 of 4 stars; one submission).

Conditions:
USP9X-related disorder. Also called: USP9X-related condition.

Submission:

PreventionGenetics, part of Exact Sciences
Classification: Likely pathogenic for USP9X-related condition. Last evaluated: 2026-07-20. Review status: criteria provided, single submitter. Criteria: ACMG Guidelines, 2015. Collection method: clinical testing. Allele origin: germline.
Comment: The USP9X c.4214_4217delATTG variant is predicted to result in a frameshift and premature protein termination (p.Asp1405Glyfs*22). To our knowledge, this variant has not been reported in the literature or in a large population database (gnomAD), indicating this variant is rare. Frameshift variants in USP9X are expected to be pathogenic. This variant is interpreted as likely pathogenic.

NM_001039591.3(USP9X):c.4214_4217del (p.Asp1405fs)

Gene: USP9X (ubiquitin specific peptidase 9 X-linked; plus strand). Cytogenetic location: Xp11.4.
Variant type: Microsatellite.
Coding change: c.4214_4217del on transcript NM_001039591.3 (MANE Select); coding-DNA positions 4214 to 4217, 4 bases deleted (ATTG; older notation c.4214_4217delATTG).
Protein change: p.Asp1405fs; shifts the reading frame from aspartic acid 1405.
Molecular consequence: frameshift variant.
Genome position (GRCh38, 1-based): chrX:41,196,719-41,196,722, ATTG deleted; deleting any 4 consecutive bases within chrX:41,196,715-41,196,722 gives the same sequence; the c. name uses the placement nearest the transcript's 3' end. VCF-style (leftmost placement, unchanged base first): chrX-41196714-AATTG-A. GRCh37 (hg19) VCF-style: chrX-41055967-AATTG-A.
Other names: c.4214_4217del, p.Asp1405fs (NM_001039590.3); c.4229_4232del, p.Asp1410fs (NM_001410748.1, NM_001410749.1, NM_001437534.1); short protein forms D1405fs, D1410fs.
Identifiers: ClinVar variation 4994390 (VCV004994390.1).
Genomic context (GRCh38, chrX:41,196,714, plus strand): 5'-TAATTACGCTTACAATAGTAATATTAATGTACCCAATGCTGAAGTTCTTCTCAATAATGA[AATTG>A]ATTGGCTTAAAAGAATTAGGGTAAGTTTTAGTTAATACTCCATTTATATGTCATTATTAG-3'